The following is an entry in ClinVar:

ClinVar aggregate classification (germline): Uncertain significance (1 of 4 stars; one submission).

Conditions:
Familial thoracic aortic aneurysm and aortic dissection (TAAD). Also called: Thoracic aortic aneurysms and dissections. Identifiers: Orphanet 91387, MedGen C4707243, MONDO:0019625.

gnomAD v4.1: 9 of 1,614,052 alleles (0.00056%); highest among the groups gnomAD compares: Non-Finnish European, 0.00076%; no homozygotes.

Submission:

All of Us Research Program, National Institutes of Health
Classification: Uncertain significance for Familial thoracic aortic aneurysm and aortic dissection. Last evaluated: 2023-05-04. Review status: criteria provided, single submitter. Criteria: ACMG Guidelines, 2015. Collection method: clinical testing. Allele origin: germline. Inheritance: Autosomal dominant inheritance. Observed: 1 variant allele, 1 heterozygote.
Comment: This missense variant replaces arginine with serine at codon 769 of the MYH11 protein. Computational prediction suggests that this variant may have deleterious impact on protein structure and function (internally defined REVEL score threshold >= 0.7, PMID: 27666373). To our knowledge, functional studies have not been reported for this variant. This variant has not been reported in individuals affected with MYH11-related disorders in the literature. This variant has not been identified in the general population by the Genome Aggregation Database (gnomAD). The available evidence is insufficient to determine the role of this variant in disease conclusively. Therefore, this variant is classified as a Variant of Uncertain Significance.

This study involves interpretation of variants in research participants for the purpose of population health screening. Participant phenotype was not available at the time of variant classification. Additional details can be found in publication PMID: 35346344, PMCID: PMC8962531

NM_002474.3(MYH11):c.2286G>C (p.Arg762Ser)

Gene: MYH11 (myosin heavy chain 11; minus strand). Cytogenetic location: 16p13.11.
Variant type: single nucleotide variant.
Coding change: c.2286G>C on transcript NM_002474.3 (MANE Select); coding-DNA position 2286, G replaced by C.
Protein change: p.Arg762Ser; replaces arginine 762 with serine.
Molecular consequence: missense variant.
Genome position (GRCh38, 1-based): chr16:15,747,695, C>G on the plus strand (G>C on the coding strand, the complement: MYH11 is on the minus strand). VCF-style: chr16-15747695-C-G. GRCh37 (hg19) VCF-style: chr16-15841552-C-G.
Other names: c.2307G>C, p.Arg769Ser (NM_001040113.2, NM_001040114.2); c.2286G>C, p.Arg762Ser (NM_022844.3); short protein forms R762S, R769S.
Identifiers: ClinVar variation 3070912 (VCV003070912.1), dbSNP rs2506266763, ClinGen allele CA394867480.
Genomic context (GRCh38, chr16:15,747,695, plus strand): 5'-TCGCTCCTCCTCTAGGTGGGCCAGGACGCCAGTTCGGAAGAAGATTTTGCTCTGCCCTAT[C>G]CTGTATAAGTTGGGGTCAAGTTCCAGGGCTTTGATCTGCAAAAGGAAGGAAAGGAAGAGC-3'
Protein context (NP_002465.1, residues 752-772): KALELDPNLY[Arg762Ser]IGQSKIFFRT